The following is an entry in ClinVar:

ClinVar aggregate classification (germline): Uncertain significance (1 of 4 stars; one submission).

Conditions:
Autoimmune lymphoproliferative syndrome, type III caused by mutation in PRKCD. Identifiers: Orphanet 3261, Orphanet 664711, MedGen C3809928, MONDO:8000024, OMIM 615559.

Submission:

Labcorp Genetics (formerly Invitae), Labcorp
Classification: Uncertain significance for Autoimmune lymphoproliferative syndrome, type III caused by mutation in PRKCD. Last evaluated: 2022-03-31. Review status: criteria provided, single submitter. Criteria: Invitae Variant Classification Sherloc (09022015). Collection method: clinical testing. Allele origin: germline.
Comment: In summary, the available evidence is currently insufficient to determine the role of this variant in disease. Therefore, it has been classified as a Variant of Uncertain Significance. Algorithms developed to predict the effect of sequence changes on RNA splicing suggest that this variant may create or strengthen a splice site. This variant has not been reported in the literature in individuals affected with PRKCD-related conditions. This variant is not present in population databases (gnomAD no frequency). This sequence change affects codon 361 of the PRKCD mRNA. It is a 'silent' change, meaning that it does not change the encoded amino acid sequence of the PRKCD protein.

NM_006254.4(PRKCD):c.1083G>T (p.Gly361=)

Gene: PRKCD (protein kinase C delta; plus strand). Cytogenetic location: 3p21.1.
Variant type: single nucleotide variant.
Coding change: c.1083G>T on transcript NM_006254.4 (MANE Select); coding-DNA position 1083, G replaced by T.
Protein change: p.Gly361=; no amino-acid change (glycine 361 retained).
Molecular consequence: synonymous variant.
Genome position (GRCh38, 1-based): chr3:53,186,024, G>T. VCF-style: chr3-53186024-G-T. GRCh37 (hg19) VCF-style: chr3-53220040-G-T.
Other names: c.1083G>T, p.Gly361= (NM_001316327.2, NM_001354679.2, NM_001354680.2 and 1 more transcripts); c.1140G>T, p.Gly380= (NM_001354676.2); c.1131G>T, p.Gly377= (NM_001354678.2).
Identifiers: ClinVar variation 2119960 (VCV002119960.4), dbSNP rs2471098134, ClinGen allele CA433894611.